The following is an entry in ClinVar:

ClinVar aggregate classification (germline): Uncertain significance (1 of 4 stars; one submission).

Conditions:
Alzheimer disease 3 (AD3). Also called: ALZHEIMER DISEASE, FAMILIAL, 3. Identifiers: Orphanet 1020, MedGen C1843013, MONDO:0011913, OMIM 607822.
Pick disease. Also called: PICK DISEASE OF BRAIN; DEMENTIA WITH LOBAR ATROPHY AND NEURONAL CYTOPLASMIC INCLUSIONS; LOBAR ATROPHY OF BRAIN; Pick's disease; Pick Disease of the Brain. Identifiers: Orphanet 282, MedGen C0236642, MONDO:0008243, OMIM 172700.
Frontotemporal dementia (FTD1). Also called: FRONTOTEMPORAL DEMENTIA WITH PARKINSONISM; FRONTOTEMPORAL LOBE DEMENTIA; MULTIPLE SYSTEM TAUOPATHY WITH PRESENILE DEMENTIA; WILHELMSEN-LYNCH DISEASE; Frontotemporal lobe dementia (FLDEM); FRONTOTEMPORAL LOBAR DEGENERATION WITH TAU INCLUSIONS. Identifiers: Orphanet 282, MedGen C0338451, MONDO:0017276, OMIM 600274, HP:0002145.
Acne inversa, familial, 3 (ACNINV3). Identifiers: MedGen C3151038, MONDO:0013398, OMIM 613737.

Submission:

Labcorp Genetics (formerly Invitae), Labcorp
Classification: Uncertain significance for Alzheimer disease 3; Pick disease; Acne inversa, familial, 3; Frontotemporal dementia. Last evaluated: 2023-08-28. Review status: criteria provided, single submitter. Criteria: Invitae Variant Classification Sherloc (09022015). Collection method: clinical testing. Allele origin: unknown.
Comment: In summary, the available evidence is currently insufficient to determine the role of this variant in disease. Therefore, it has been classified as a Variant of Uncertain Significance. Experimental studies and prediction algorithms are not available or were not evaluated, and the functional significance of this variant is currently unknown. This variant has not been reported in the literature in individuals affected with PSEN1-related conditions. This variant results in a copy number gain of the genomic region encompassing exon(s) 11-12 of the PSEN1 gene. This region includes the termination codon of the gene. This copy number gain extends beyond the assayed region for this gene and therefore may encompass additional genes. As the precise location of this event is unknown, it may be in tandem or it may be located elsewhere in the genome.

NC_000014.8:g.(?_73683814)_(73685997_?)dup

Gene: PSEN1 (presenilin 1; plus strand). Cytogenetic location: 14q24.2.
Variant type: Duplication.
Identifiers: ClinVar variation 3243972 (VCV003243972.1).